The following is an entry in ClinVar:

ClinVar aggregate classification (germline): Pathogenic (1 of 4 stars; one submission).

Conditions:
Congenital microcephaly - severe encephalopathy - progressive cerebral atrophy syndrome. Also called: ASNS DEFICIENCY; Asparagine synthetase deficiency. Identifiers: Orphanet 391376, MedGen C3809971, MONDO:0014258, OMIM 615574.

Submission:

Myriad Genetics, Inc.
Classification: Pathogenic for Congenital microcephaly - severe encephalopathy - progressive cerebral atrophy syndrome. Last evaluated: 2025-02-07. Review status: criteria provided, single submitter. Criteria: Myriad Autosomal Dominant, Autosomal Recessive and X-Linked Classification Criteria (2023). Collection method: clinical testing. Allele origin: unknown.
Comment: NM_001673.4(ASNS):c.1290delG(L430Ffs*7) is expected to be pathogenic in the context of asparagine synthetase deficiency. This variant is predicted to lead to an abnormal or absent protein product due to the creation of a premature termination codon in ASNS, a gene where loss-of-function variants are known to be pathogenic. Please note: this variant was assessed in the context of healthy population screening.

NM_001673.5(ASNS):c.1290del (p.Leu430fs)

Genes: ASNS (asparagine synthetase (glutamine-hydrolyzing); minus strand), CZ1P-ASNS (CZ1P-ASNS readthrough; minus strand). Cytogenetic location: 7q21.3.
Variant type: Deletion.
Coding change: c.1290del on transcript NM_001673.5 (MANE Select); coding-DNA position 1290, one base deleted (G; older notation c.1290delG).
Protein change: p.Leu430fs; shifts the reading frame from leucine 430.
Molecular consequence: frameshift variant. On other transcripts: non-coding transcript variant (1).
Genome position (GRCh38, 1-based): chr7:97,853,335, C deleted on the plus strand (G on the coding strand, the reverse complement: ASNS is on the minus strand). VCF-style (leftmost placement, unchanged base first): chr7-97853334-AC-A. GRCh37 (hg19) VCF-style: chr7-97482646-AC-A.
Other names: c.1227del, p.Leu409fs (NM_001178075.2); c.1041del, p.Leu347fs (NM_001178076.2, NM_001178077.1); c.1290del, p.Leu430fs (NM_001352496.2, NM_133436.3, NM_183356.4); short protein forms L347fs, L409fs, L430fs.
Identifiers: ClinVar variation 5014068 (VCV005014068.1).